The following is an entry in ClinVar:

ClinVar aggregate classification (germline): Uncertain significance. Review status: criteria provided, single submitter (1 of 4 stars). 2 submissions from 2 submitters: Uncertain significance (1). 1 of the submissions does not count toward it. Last evaluated 2025-04-24.

Conditions:
PCNT-related disorder. Also called: PCNT-related condition.
Inborn genetic diseases. Identifiers: MedGen C0950123, MeSH D030342.

gnomAD v4.1: 18 of 1,613,212 alleles (0.0011%); highest among the groups gnomAD compares: Admixed American, 0.0033%; no homozygotes.

Submissions (2):

Ambry Genetics
Classification: Uncertain significance for Inborn genetic diseases. Last evaluated: 2025-04-24. Review status: criteria provided, single submitter. Criteria: Ambry Variant Classification Scheme 2023. Collection method: clinical testing. Allele origin: germline.

PreventionGenetics, part of Exact Sciences
Classification: Uncertain significance for PCNT-related condition. Last evaluated: 2024-03-22. Review status: no assertion criteria provided. Collection method: clinical testing. Allele origin: germline. Not counted in ClinVar's aggregate classification.
Comment: The PCNT c.3136G>A variant is predicted to result in the amino acid substitution p.Val1046Met. To our knowledge, this variant has not been reported in the literature. This variant is reported in 0.0055% of alleles in individuals of East Asian descent in gnomAD. At this time, the clinical significance of this variant is uncertain due to the absence of conclusive functional and genetic evidence.

NM_006031.6(PCNT):c.3136G>A (p.Val1046Met)

Gene: PCNT (pericentrin; plus strand). Cytogenetic location: 21q22.3.
Variant type: single nucleotide variant.
Coding change: c.3136G>A on transcript NM_006031.6 (MANE Select); coding-DNA position 3136, G replaced by A.
Protein change: p.Val1046Met; replaces valine 1046 with methionine.
Molecular consequence: missense variant.
Genome position (GRCh38, 1-based): chr21:46,367,110, G>A. VCF-style: chr21-46367110-G-A. GRCh37 (hg19) VCF-style: chr21-47787025-G-A.
Other names: c.2782G>A, p.Val928Met (NM_001315529.2); short protein forms V1046M, V928M.
Identifiers: ClinVar variation 3356192 (VCV003356192.2).